The following is an entry in ClinVar:

ClinVar aggregate classification (germline): Uncertain significance. Review status: criteria provided, multiple submitters, no conflicts (2 of 4 stars). 3 submissions from 3 submitters: Uncertain significance (3). Last evaluated 2022-07-08.

Conditions:
Inborn genetic diseases. Identifiers: MedGen C0950123, MeSH D030342.

Allele frequency attached by ClinVar (database versions not stated): gnomAD below 0.00001 and 0.00001; ExAC 0.00002; gnomAD exomes 0.00003 and 0.00004.
gnomAD v4.1: 44 of 1,613,802 alleles (0.0027%); highest among the groups gnomAD compares: South Asian, 0.047%; no homozygotes.

Submissions (3):

Blueprint Genetics
Classification: Uncertain significance. Last evaluated: 2022-07-08. Review status: criteria provided, single submitter. Criteria: ACMG Guidelines, 2015. Collection method: clinical testing. Allele origin: germline.

Ambry Genetics
Classification: Uncertain significance for Inborn genetic diseases. Last evaluated: 2022-02-10. Review status: criteria provided, single submitter. Criteria: Ambry Variant Classification Scheme 2023. Collection method: clinical testing. Allele origin: germline.

Labcorp Genetics (formerly Invitae), Labcorp
Classification: Uncertain significance. Last evaluated: 2021-06-15. Review status: criteria provided, single submitter. Criteria: Invitae Variant Classification Sherloc (09022015). Collection method: clinical testing. Allele origin: germline.
Comment: In summary, the available evidence is currently insufficient to determine the role of this variant in disease. Therefore, it has been classified as a Variant of Uncertain Significance. Algorithms developed to predict the effect of missense changes on protein structure and function are either unavailable or do not agree on the potential impact of this missense change (SIFT: "Tolerated"; PolyPhen-2: "Possibly Damaging"; Align-GVGD: "Class C0"). This variant has not been reported in the literature in individuals with TRAF3IP1-related conditions. This variant is present in population databases (rs762765790, ExAC 0.02%). This sequence change replaces alanine with valine at codon 513 of the TRAF3IP1 protein (p.Ala513Val). The alanine residue is moderately conserved and there is a small physicochemical difference between alanine and valine.

NM_015650.4(IFT54):c.1538C>T (p.Ala513Val)

Gene: IFT54 (intraflagellar transport 54; plus strand). Cytogenetic location: 2q37.3.
Variant type: single nucleotide variant.
Coding change: c.1538C>T on transcript NM_015650.4 (MANE Select); coding-DNA position 1538, C replaced by T.
Protein change: p.Ala513Val; replaces alanine 513 with valine.
Molecular consequence: missense variant.
Genome position (GRCh38, 1-based): chr2:238,352,913, C>T. VCF-style: chr2-238352913-C-T. GRCh37 (hg19) VCF-style: chr2-239261554-C-T.
Other names: c.1340C>T, p.Ala447Val (NM_001139490.1); c.1538C>T (NM_015650.3); short protein forms A513V, A447V.
Identifiers: ClinVar variation 1045491 (VCV001045491.10), dbSNP rs762765790, ClinGen allele CA2198474.